The following is an entry in ClinVar:

ClinVar aggregate classification (germline): Uncertain significance. Review status: criteria provided, multiple submitters, no conflicts (2 of 4 stars). 7 submissions from 6 submitters: Uncertain significance (6). 1 of the submissions does not count toward it. Last evaluated 2024-02-05.

Conditions:
Usher syndrome type 2A. Also called: RETINAL DISEASE IN USHER SYNDROME TYPE IIA, MODIFIER OF; USHER SYNDROME, TYPE IIA. Identifiers: Orphanet 231178, Orphanet 886, MedGen C1848634, MONDO:0010169, OMIM 276901.
Retinitis pigmentosa 39 (RP39). Identifiers: Orphanet 791, MedGen C3151138, MONDO:0013436, OMIM 613809.

Allele frequency attached by ClinVar (database versions not stated): gnomAD 0.00003; TOPMed 0.00004; gnomAD exomes 0.00005; ExAC 0.00006.
gnomAD v4.1: 70 of 1,614,058 alleles (0.0043%); highest among the groups gnomAD compares: Admixed American, 0.013%; no homozygotes.

Submissions (7):

Blueprint Genetics
Classification: Uncertain significance. Last evaluated: 2024-02-05. Review status: criteria provided, single submitter. Criteria: ACMG Guidelines, 2015. Collection method: clinical testing. Allele origin: germline.

Genome-Nilou Lab
Classification: Uncertain significance for Retinitis pigmentosa 39. Last evaluated: 2023-11-04. Review status: criteria provided, single submitter. Criteria: ACMG Guidelines, 2015. Collection method: clinical testing. Allele origin: germline. Affected: no.

Genome-Nilou Lab
Classification: Uncertain significance for Usher syndrome type 2A. Last evaluated: 2023-11-04. Review status: criteria provided, single submitter. Criteria: ACMG Guidelines, 2015. Collection method: clinical testing. Allele origin: germline. Affected: no.

Labcorp Genetics (formerly Invitae), Labcorp
Classification: Uncertain significance. Last evaluated: 2022-07-06. Review status: criteria provided, single submitter. Criteria: Invitae Variant Classification Sherloc (09022015). Collection method: clinical testing. Allele origin: germline.
Comment: This sequence change replaces lysine, which is basic and polar, with glutamic acid, which is acidic and polar, at codon 4578 of the USH2A protein (p.Lys4578Glu). This variant is present in population databases (rs765354805, gnomAD 0.02%). This variant has not been reported in the literature in individuals affected with USH2A-related conditions. ClinVar contains an entry for this variant (Variation ID: 229620). Algorithms developed to predict the effect of missense changes on protein structure and function output the following: SIFT: "Deleterious"; PolyPhen-2: "Benign"; Align-GVGD: "Class C15". The glutamic acid amino acid residue is found in multiple mammalian species, which suggests that this missense change does not adversely affect protein function. In summary, the available evidence is currently insufficient to determine the role of this variant in disease. Therefore, it has been classified as a Variant of Uncertain Significance.

Fulgent Genetics
Classification: Uncertain significance for Usher syndrome type 2A; Retinitis pigmentosa 39. Last evaluated: 2021-08-13. Review status: criteria provided, single submitter. Criteria: ACMG Guidelines, 2015. Collection method: clinical testing. Allele origin: unknown.

Laboratory for Molecular Medicine, Mass General Brigham Personalized Medicine
Classification: Uncertain significance. Last evaluated: 2016-04-08. Review status: criteria provided, single submitter. Criteria: LMM Criteria. Collection method: clinical testing. Allele origin: germline. Observed: 1 variant allele.
Comment: Variant classified as Uncertain Significance - Favor Benign. The p.Lys4578Glu va riant in USH2A has not been previously reported in individuals with hearing loss or Usher syndrome, but has been identified in 4/11568 of Latino chromosomes and 3/66732 of European chromosomes by the Exome Aggregation Consortium (ExAC; dbSNP rs765354805). The lysine (Lys) at position 457 8 is not conserved in mammals or evolutionarily distant species and 2 mammals (c ape elephant shrew and opossum) carry a glutamic acid (Glu) at this position, ra ising the possibility that this change may be tolerated. Additional computationa l prediction tools do not provide strong support for or against an impact to the protein. In summary, while the clinical significance of the p.Lys4578Glu varian t is uncertain, its presence in mammals suggests that it is more likely to be be nign.

Natera, Inc.
Classification: Uncertain significance for Usher syndrome type 2A. Last evaluated: 2019-11-11. Review status: no assertion criteria provided. Collection method: clinical testing. Allele origin: germline. Not counted in ClinVar's aggregate classification.

NM_206933.4(USH2A):c.13732A>G (p.Lys4578Glu)

Gene: USH2A (usherin; minus strand). Cytogenetic location: 1q41.
Variant type: single nucleotide variant.
Coding change: c.13732A>G on transcript NM_206933.4 (MANE Select); coding-DNA position 13732, A replaced by G.
Protein change: p.Lys4578Glu; replaces lysine 4578 with glutamic acid.
Molecular consequence: missense variant.
Genome position (GRCh38, 1-based): chr1:215,674,179, T>C on the plus strand (A>G on the coding strand, the complement: USH2A is on the minus strand). VCF-style: chr1-215674179-T-C. GRCh37 (hg19) VCF-style: chr1-215847521-T-C.
Other names: short protein forms K4578E.
Identifiers: ClinVar variation 229620 (VCV000229620.13), dbSNP rs765354805, ClinGen allele CA1393235.